The following is an entry in ClinVar:

ClinVar aggregate classification (germline): Conflicting classifications of pathogenicity. Review status: criteria provided, conflicting classifications (1 of 4 stars). 2 submissions from 2 submitters: Uncertain significance (1); Likely benign (1). Last evaluated 2023-03-23.

Conditions:
Hereditary breast ovarian cancer syndrome. Also called: Hereditary breast and ovarian cancer; Hereditary breast and/or ovarian cancer syndrome; BRCA1- and BRCA2-Associated Hereditary Breast and Ovarian Cancer; Hereditary breast and ovarian cancer syndrome; Hereditary breast and ovarian cancer syndrome (HBOC); Breast and ovarian cancer. Identifiers: Orphanet 145, MedGen C0677776, MeSH D061325, MONDO:0003582. Disease mechanism: loss of function.
Hereditary cancer-predisposing syndrome. Also called: Tumor predisposition; Hereditary Cancer Syndrome; Hereditary neoplastic syndrome; Neoplastic Syndromes, Hereditary. Identifiers: Orphanet 140162, MedGen C0027672, MeSH D009386, MONDO:0015356.

Submissions (2):

University of Washington Department of Laboratory Medicine, University of Washington
Classification: Likely benign for Hereditary cancer-predisposing syndrome. Last evaluated: 2023-03-23. Review status: criteria provided, single submitter. Criteria: Dines et al. (Genet Med. 2020). Collection method: curation. Allele origin: germline.
Comment: Missense variant in a coldspot region where missense variants are very unlikely to be pathogenic (PMID:31911673).

BRCA2 exon 11 coldspot. Reclassification based on statistical prior probability.

Labcorp Genetics (formerly Invitae), Labcorp
Classification: Uncertain significance for Hereditary breast ovarian cancer syndrome. Last evaluated: 2016-10-02. Review status: criteria provided, single submitter. Criteria: Invitae Variant Classification Sherloc (09022015). Collection method: clinical testing. Allele origin: germline.
Comment: In summary, this variant is a novel missense change that is not predicted to affect protein function. There is no indication that it causes disease, but the available evidence is currently insufficient to prove that conclusively. Therefore, it has been classified as a Variant of Uncertain Significance. Algorithms developed to predict the effect of missense changes on protein structure and function (SIFT, PolyPhen-2, Align-GVGD) all suggest that this variant is likely to be tolerated, but these predictions have not been confirmed by published functional studies. This variant is not present in population databases (ExAC no frequency) and has not been reported in the literature in individuals with a BRCA2-related disease. This sequence change replaces aspartic acid with histidine at codon 1759 of the BRCA2 protein (p.Asp1759His). The aspartic acid residue is weakly conserved and there is a moderate physicochemical difference between aspartic acid and histidine.

NM_000059.4(BRCA2):c.5275G>C (p.Asp1759His)

Gene: BRCA2 (BRCA2 DNA repair associated; plus strand). Cytogenetic location: 13q13.1.
Variant type: single nucleotide variant.
Coding change: c.5275G>C on transcript NM_000059.4 (MANE Select); coding-DNA position 5275, G replaced by C.
Protein change: p.Asp1759His; replaces aspartic acid 1759 with histidine.
Molecular consequence: missense variant.
Genome position (GRCh38, 1-based): chr13:32,339,630, G>C. VCF-style: chr13-32339630-G-C. GRCh37 (hg19) VCF-style: chr13-32913767-G-C.
Other names: short protein forms D1759H.
Identifiers: ClinVar variation 409535 (VCV000409535.10), dbSNP rs1060502456, ClinGen allele CA16613889.